The following is an entry in ClinVar:

ClinVar aggregate classification (germline): Pathogenic/Likely pathogenic. Review status: criteria provided, multiple submitters, no conflicts (2 of 4 stars). 2 submissions from 2 submitters: Pathogenic (1); Likely pathogenic (1). Last evaluated 2025-01-06.

Conditions:
Hereditary spastic paraplegia 4. Also called: Spastic paraplegia 4, autosomal dominant; Spastic Paraplegia 4; Familial spastic paraplegia autosomal dominant 2. Identifiers: Orphanet 100985, MedGen C1866855, MONDO:0008438, OMIM 182601.
SPAST-related disorder. Also called: SPAST-related condition.

Submissions (2):

Labcorp Genetics (formerly Invitae), Labcorp
Classification: Pathogenic for Hereditary spastic paraplegia 4. Last evaluated: 2025-01-06. Review status: criteria provided, single submitter. Criteria: Invitae Variant Classification Sherloc (09022015). Collection method: clinical testing. Allele origin: germline.
Comment: This sequence change replaces leucine, which is neutral and non-polar, with proline, which is neutral and non-polar, at codon 371 of the SPAST protein (p.Leu371Pro). This variant is not present in population databases (gnomAD no frequency). This missense change has been observed in individuals with clinical features of hereditary spastic paraplegia (PMID: 35487127; internal data). ClinVar contains an entry for this variant (Variation ID: 2046361). Invitae Evidence Modeling of protein sequence and biophysical properties (such as structural, functional, and spatial information, amino acid conservation, physicochemical variation, residue mobility, and thermodynamic stability) indicates that this missense variant is expected to disrupt SPAST protein function with a positive predictive value of 80%. This variant disrupts the p.Leu371 amino acid residue in SPAST. Other variant(s) that disrupt this residue have been observed in individuals with SPAST-related conditions (PMID: 27957547, 30476002), which suggests that this may be a clinically significant amino acid residue. For these reasons, this variant has been classified as Pathogenic.

Blueprint Genetics
Classification: Likely pathogenic for SPAST-related disorders. Last evaluated: 2020-10-01. Review status: criteria provided, single submitter. Criteria: ACMG Guidelines, 2015. Collection method: clinical testing. Allele origin: germline. Affected: yes. Observed: 2 variant alleles.

Literature cited by the submitters: PubMed 35487127 (cited by Labcorp Genetics (formerly Invitae), Labcorp); PubMed 27957547 (cited by Labcorp Genetics (formerly Invitae), Labcorp); PubMed 30476002 (cited by Labcorp Genetics (formerly Invitae), Labcorp).

NM_014946.4(SPAST):c.1112T>C (p.Leu371Pro)

Gene: SPAST (spastin; plus strand). Cytogenetic location: 2p22.3.
Variant type: single nucleotide variant.
Coding change: c.1112T>C on transcript NM_014946.4 (MANE Select); coding-DNA position 1112, T replaced by C.
Protein change: p.Leu371Pro; replaces leucine 371 with proline.
Molecular consequence: missense variant.
Genome position (GRCh38, 1-based): chr2:32,126,961, T>C. VCF-style: chr2-32126961-T-C. GRCh37 (hg19) VCF-style: chr2-32352030-T-C.
Other names: c.1109T>C, p.Leu370Pro (NM_001363823.2); c.1013T>C, p.Leu338Pro (NM_001363875.2); c.1016T>C, p.Leu339Pro (NM_001377959.1, NM_199436.2); short protein forms L371P, L339P, L338P, L370P.
Identifiers: ClinVar variation 2046361 (VCV002046361.5), dbSNP rs1553316806, ClinGen allele CA346501220.